The following is an entry in ClinVar:

NM_020297.4(ABCC9):c.1129A>G (p.Ile377Val)

Gene: ABCC9 (ATP binding cassette subfamily C member 9; minus strand). Cytogenetic location: 12p12.1.
Variant type: single nucleotide variant.
Coding change: c.1129A>G on transcript NM_020297.4 (MANE Select); coding-DNA position 1129, A replaced by G.
Protein change: p.Ile377Val; replaces isoleucine 377 with valine.
Molecular consequence: missense variant.
Genome position (GRCh38, 1-based): chr12:21,910,861, T>C on the plus strand (A>G on the coding strand, the complement: ABCC9 is on the minus strand). VCF-style: chr12-21910861-T-C. GRCh37 (hg19) VCF-style: chr12-22063795-T-C.
Other names: c.1129A>G, p.Ile377Val (NM_001377273.1, NM_005691.4); c.265A>G, p.Ile89Val (NM_001377274.1); short protein forms I377V, I89V.
Identifiers: ClinVar variation 1163346 (VCV001163346.13), dbSNP rs567016348, ClinGen allele CA6481730.
Genomic context (GRCh38, chr12:21,910,861, plus strand): 5'-AATAGTATTCACAGCCTTTACATACCAGCAGAGCTCCACGGAGGTTAATGCCAGTCTCTA[T>C]GGTTACATAGTAGGAAGCCTGCAAAAATGTCCTTTGCAGAATAAGAGCCAAGAAGAGAAG-3'
Protein context (NP_064693.2, residues 367-387): TFLQASYYVT[Ile377Val]ETGINLRGAL

ClinVar aggregate classification (germline): Conflicting classifications of pathogenicity. Review status: criteria provided, conflicting classifications (1 of 4 stars). 4 submissions from 4 submitters: Uncertain significance (3); Likely benign (1). Last evaluated 2025-11-18.

Conditions:
Dilated cardiomyopathy 1O (CMD1O). Also called: CARDIOMYOPATHY, DILATED, WITH VENTRICULAR TACHYCARDIA. Identifiers: Orphanet 154, MedGen C1837839, MONDO:0012062, OMIM 608569.
Cardiovascular phenotype. Identifiers: MedGen CN230736.
Intellectual disability and myopathy syndrome (IDMYS). Identifiers: MedGen C5676904, MONDO:0859224, OMIM 619719.
Hypertrichotic osteochondrodysplasia Cantu type. Also called: Cantu Syndrome; Cantú Syndrome. Identifiers: Orphanet 1517, MedGen C0795905, MONDO:0009406, OMIM 239850.
Atrial fibrillation, familial, 12 (ATFB12). Identifiers: MedGen C3279695, MONDO:0013545, OMIM 614050.

Allele frequency attached by ClinVar (database versions not stated): gnomAD 0.00001; TOPMed 0.00001; gnomAD exomes 0.00003 and 0.00005; ExAC 0.00007.
gnomAD v4.1: 58 of 1,612,366 alleles (0.0036%); highest among the groups gnomAD compares: East Asian, 0.0067%; no homozygotes.

Submissions (4):

Labcorp Genetics (formerly Invitae), Labcorp
Classification: Uncertain significance for Dilated cardiomyopathy 1O. Last evaluated: 2025-11-18. Review status: criteria provided, single submitter. Criteria: Invitae Variant Classification Sherloc (09022015). Collection method: clinical testing. Allele origin: germline.
Comment: This sequence change replaces isoleucine, which is neutral and non-polar, with valine, which is neutral and non-polar, at codon 377 of the ABCC9 protein (p.Ile377Val). This variant is present in population databases (rs567016348, gnomAD 0.009%). This variant has not been reported in the literature in individuals affected with ABCC9-related conditions. ClinVar contains an entry for this variant (Variation ID: 1163346). Invitae Evidence Modeling of protein sequence and biophysical properties (such as structural, functional, and spatial information, amino acid conservation, physicochemical variation, residue mobility, and thermodynamic stability) indicates that this missense variant is expected to disrupt ABCC9 protein function with a positive predictive value of 80%. In summary, the available evidence is currently insufficient to determine the role of this variant in disease. Therefore, it has been classified as a Variant of Uncertain Significance.

Ambry Genetics
Classification: Likely benign for Cardiovascular phenotype. Last evaluated: 2022-08-11. Review status: criteria provided, single submitter. Criteria: Ambry Variant Classification Scheme 2023. Collection method: clinical testing. Allele origin: germline.

Fulgent Genetics
Classification: Uncertain significance for Hypertrichotic osteochondrodysplasia Cantu type; Dilated cardiomyopathy 1O; Atrial fibrillation, familial, 12; Intellectual disability and myopathy syndrome. Last evaluated: 2021-07-09. Review status: criteria provided, single submitter. Criteria: ACMG Guidelines, 2015. Collection method: clinical testing. Allele origin: unknown.

Mayo Clinic Laboratories, Mayo Clinic
Classification: Uncertain significance. Last evaluated: 2019-09-16. Review status: criteria provided, single submitter. Criteria: ACMG Guidelines, 2015. Collection method: clinical testing. Allele origin: germline. Observed: 1 variant allele.